The following is an entry in ClinVar:

NM_001159699.2(FHL1):c.194C>T (p.Ala65Val)

Gene: FHL1 (four and a half LIM domains 1; plus strand). Cytogenetic location: Xq26.3.
Variant type: single nucleotide variant.
Coding change: c.194C>T on transcript NM_001159699.2 (MANE Select); coding-DNA position 194, C replaced by T.
Protein change: p.Ala65Val; replaces alanine 65 with valine.
Molecular consequence: missense variant. On other transcripts: non-coding transcript variant (1).
Genome position (GRCh38, 1-based): chrX:136,206,578, C>T. VCF-style: chrX-136206578-C-T. GRCh37 (hg19) VCF-style: chrX-135288737-C-T.
Other names: c.146C>T, p.Ala49Val (NM_001159700.2, NM_001159702.3, NM_001159703.2 and 9 more transcripts); c.233C>T, p.Ala78Val (NM_001159701.2); c.194C>T, p.Ala65Val (NM_001330659.2); short protein forms A49V, A65V, A78V.
Identifiers: ClinVar variation 1300841 (VCV001300841.5), dbSNP rs372301312, ClinGen allele CA10524956.

ClinVar aggregate classification (germline): Uncertain significance. Review status: criteria provided, multiple submitters, no conflicts (2 of 4 stars). 2 submissions from 2 submitters: Uncertain significance (2). Last evaluated 2024-12-15.

Conditions:
X-linked myopathy with postural muscle atrophy. Also called: FHL1-Related Emery-Dreifuss Muscular Dystrophy, X-Linked. Identifiers: Orphanet 178461, MedGen C2678055, MONDO:0010401, OMIM 300696.

Allele frequency attached by ClinVar (database versions not stated): gnomAD exomes below 0.00001 and 0.00001; TOPMed below 0.00001; gnomAD 0.00001; ExAC 0.00002; ESP Exome Variant Server 0.00009; 1000 Genomes Project 0.00026; 1000 Genomes Project 30x 0.00042.
gnomAD v4.1: 5 of 1,211,391 alleles (0.00041%); highest among the groups gnomAD compares: South Asian, 0.0018%; no homozygotes.

Submissions (2):

Labcorp Genetics (formerly Invitae), Labcorp
Classification: Uncertain significance for X-linked myopathy with postural muscle atrophy. Last evaluated: 2024-12-15. Review status: criteria provided, single submitter. Criteria: Invitae Variant Classification Sherloc (09022015). Collection method: clinical testing. Allele origin: germline.
Comment: This sequence change replaces alanine, which is neutral and non-polar, with valine, which is neutral and non-polar, at codon 49 of the FHL1 protein (p.Ala49Val). This variant is present in population databases (rs372301312, gnomAD 0.005%). This variant has not been reported in the literature in individuals affected with FHL1-related conditions. ClinVar contains an entry for this variant (Variation ID: 1300841). An algorithm developed to predict the effect of missense changes on protein structure and function (PolyPhen-2) suggests that this variant¬¨‚Ä†is likely to be tolerated. In summary, the available evidence is currently insufficient to determine the role of this variant in disease. Therefore, it has been classified as a Variant of Uncertain Significance.

GeneDx
Classification: Uncertain significance. Last evaluated: 2024-08-01. Review status: criteria provided, single submitter. Criteria: GeneDx Variant Classification Process June 2021. Collection method: clinical testing. Allele origin: germline. Affected: yes.
Comment: Has not been previously published as pathogenic or benign to our knowledge; In silico analysis indicates that this missense variant does not alter protein structure/function